The following is an entry in ClinVar:

ClinVar aggregate classification (germline): Uncertain significance (1 of 4 stars; one submission).

Conditions:
Ullrich congenital muscular dystrophy 1A. Also called: Intermediate COL6-RD; Ullrich congenital muscular dystrophy 1. Identifiers: Orphanet 75840, MedGen C0410179, MONDO:0009681, OMIM 254090.

Submission:

Centre for Mendelian Genomics, University Medical Centre Ljubljana
Classification: Uncertain significance for Ullrich congenital muscular dystrophy 1A. Last evaluated: 2019-08-21. Review status: criteria provided, single submitter. Criteria: ACMG Guidelines, 2015. Collection method: clinical testing. Allele origin: unknown. Affected: yes.
Comment: This variant was classified as: Uncertain significance. The available evidence on this variant's pathogenicity is insufficient or conflicting. The following ACMG criteria were applied in classifying this variant: PM2,PP3.

NM_004369.4(COL6A3):c.269A>T (p.Glu90Val)

Gene: COL6A3 (collagen type VI alpha 3 chain; minus strand). Cytogenetic location: 2q37.3.
Variant type: single nucleotide variant.
Coding change: c.269A>T on transcript NM_004369.4 (MANE Select); coding-DNA position 269, A replaced by T.
Protein change: p.Glu90Val; replaces glutamic acid 90 with valine.
Molecular consequence: missense variant. On other transcripts: intron variant (4).
Genome position (GRCh38, 1-based): chr2:237,395,027, T>A on the plus strand (A>T on the coding strand, the complement: COL6A3 is on the minus strand). VCF-style: chr2-237395027-T-A. GRCh37 (hg19) VCF-style: chr2-238303670-T-A.
Other names: c.91+1700A>T (NM_057166.5, NM_057167.4, NM_057164.5 and 1 more transcripts); short protein forms E90V.
Identifiers: ClinVar variation 930766 (VCV000930766.3), dbSNP rs2078397283, ClinGen allele CA351227811.
Genomic context (GRCh38, chr2:237,395,027, plus strand): 5'-GACATGTTGGAAATATGAGAAAGGACTTCTTGTTTAGTACGATACGTATTTAACAGGAAC[T>A]CGGTATGTGGGTTTCCGTTGAACTGGACCAGAGCAAAATGGAAATCATTTTCTCCCACAG-3'
Protein context (NP_004360.2, residues 80-100): LVQFNGNPHT[Glu90Val]FLLNTYRTKQ